The following is an entry in ClinVar:

ClinVar aggregate classification (germline): Uncertain significance. Review status: criteria provided, multiple submitters, no conflicts (2 of 4 stars). 3 submissions from 3 submitters: Uncertain significance (3). Last evaluated 2026-01-13.

Conditions:
Hereditary cancer-predisposing syndrome. Also called: Tumor predisposition; Neoplastic Syndromes, Hereditary; Hereditary Cancer Syndrome; Hereditary neoplastic syndrome. Identifiers: Orphanet 140162, MedGen C0027672, MeSH D009386, MONDO:0015356.

Allele frequency attached by ClinVar (database versions not stated): gnomAD exomes below 0.00001; TOPMed below 0.00001; gnomAD 0.00001.
gnomAD v4.1: 2 of 1,613,502 alleles (0.00012%); highest among the groups gnomAD compares: Non-Finnish European, 0.00017%; no homozygotes.

Submissions (3):

Labcorp Genetics (formerly Invitae), Labcorp
Classification: Uncertain significance. Last evaluated: 2026-01-13. Review status: criteria provided, single submitter. Criteria: Invitae Variant Classification Sherloc (09022015). Collection method: clinical testing. Allele origin: germline.
Comment: This sequence change replaces glutamine, which is neutral and polar, with arginine, which is basic and polar, at codon 1645 of the POLE protein (p.Gln1645Arg). This variant is not present in population databases (gnomAD no frequency). This variant has not been reported in the literature in individuals affected with POLE-related conditions. ClinVar contains an entry for this variant (Variation ID: 240547). Invitae Evidence Modeling of protein sequence and biophysical properties (such as structural, functional, and spatial information, amino acid conservation, physicochemical variation, residue mobility, and thermodynamic stability) indicates that this missense variant is not expected to disrupt POLE protein function with a negative predictive value of 80%. In summary, the available evidence is currently insufficient to determine the role of this variant in disease. Therefore, it has been classified as a Variant of Uncertain Significance.

Center for Genomic Medicine, Rigshospitalet, Copenhagen University Hospital
Classification: Uncertain significance. Last evaluated: 2025-12-29. Review status: criteria provided, single submitter. Criteria: ACMG Guidelines, 2015. Collection method: clinical testing. Allele origin: germline.

Ambry Genetics
Classification: Uncertain significance for Hereditary cancer-predisposing syndrome. Last evaluated: 2025-01-19. Review status: criteria provided, single submitter. Criteria: Ambry Variant Classification Scheme 2023. Collection method: clinical testing. Allele origin: germline.
Comment: The p.Q1645R variant (also known as c.4934A>G), located in coding exon 37 of the POLE gene, results from an A to G substitution at nucleotide position 4934. The glutamine at codon 1645 is replaced by arginine, an amino acid with highly similar properties. This amino acid position is conserved. In addition, the in silico prediction for this alteration is inconclusive. Based on the available evidence, the clinical significance of this variant remains unclear.

NM_006231.4(POLE):c.4934A>G (p.Gln1645Arg)

Gene: POLE (DNA polymerase epsilon, catalytic subunit; minus strand). Cytogenetic location: 12q24.33.
Variant type: single nucleotide variant.
Coding change: c.4934A>G on transcript NM_006231.4 (MANE Select); coding-DNA position 4934, A replaced by G.
Protein change: p.Gln1645Arg; replaces glutamine 1645 with arginine.
Molecular consequence: missense variant.
Genome position (GRCh38, 1-based): chr12:132,642,524, T>C on the plus strand (A>G on the coding strand, the complement: POLE is on the minus strand). VCF-style: chr12-132642524-T-C. GRCh37 (hg19) VCF-style: chr12-133219110-T-C.
Other names: short protein forms Q1645R.
Identifiers: ClinVar variation 240547 (VCV000240547.10), dbSNP rs878854879, ClinGen allele CA10582981.